The following is an entry in ClinVar:

ClinVar aggregate classification (germline): Likely benign. Review status: criteria provided, multiple submitters, no conflicts (2 of 4 stars). 5 submissions from 5 submitters: Likely benign (3). 2 of the submissions do not count toward it. Last evaluated 2025-07-01.

Allele frequency attached by ClinVar (database versions not stated): 1000 Genomes Project 0.00120; 1000 Genomes Project 30x 0.00156; TOPMed 0.00199; gnomAD 0.00214 and 0.00215; ExAC 0.00215; gnomAD exomes 0.00241 and 0.00276; ESP Exome Variant Server 0.00285.
gnomAD v4.1: 4,394 of 1,613,944 alleles (0.27%); highest among the groups gnomAD compares: Non-Finnish European, 0.3%; 15 homozygotes.

Submissions (5):

CeGaT Center for Human Genetics Tuebingen
Classification: Likely benign. Last evaluated: 2025-07-01. Review status: criteria provided, single submitter. Criteria: CeGaT Center For Human Genetics Tuebingen Variant Classification Criteria Version 2. Collection method: clinical testing. Allele origin: germline. Affected: yes. Observed: 3 variant alleles.
Comment: FLG: BP4, BS2

Blueprint Genetics
Classification: Likely benign. Last evaluated: 2024-11-26. Review status: criteria provided, single submitter. Criteria: ACMG Guidelines, 2015. Collection method: clinical testing. Allele origin: germline.

Breakthrough Genomics
Classification: Likely benign. Review status: criteria provided, single submitter. Criteria: ACMG Guidelines, 2015. Collection method: not provided. Allele origin: germline. Inheritance: Autosomal dominant inheritance. Affected: yes.

Clinical Genetics DNA and cytogenetics Diagnostics Lab, Erasmus MC, Erasmus Medical Center
Classification: Likely benign. Review status: no assertion criteria provided. Collection method: clinical testing. Allele origin: germline. Affected: yes. Study: VKGL Data-share Consensus. Not counted in ClinVar's aggregate classification.

Laboratory of Diagnostic Genome Analysis, Leiden University Medical Center (LUMC)
Classification: Likely benign. Review status: no assertion criteria provided. Collection method: clinical testing. Allele origin: germline. Affected: yes. Study: VKGL Data-share Consensus. Not counted in ClinVar's aggregate classification.

NM_002016.2(FLG):c.3440A>G (p.Glu1147Gly)

Genes: CCDST (cervical cancer associated DHX9 suppressive transcript; plus strand), FLG (filaggrin; minus strand). Cytogenetic location: 1q21.3.
Variant type: single nucleotide variant.
Coding change: c.3440A>G on transcript NM_002016.2 (MANE Select); coding-DNA position 3440, A replaced by G.
Protein change: p.Glu1147Gly; replaces glutamic acid 1147 with glycine.
Molecular consequence: missense variant.
Genome position (GRCh38, 1-based): chr1:152,311,446, T>C on the plus strand (A>G on the coding strand, the complement: FLG is on the minus strand). VCF-style: chr1-152311446-T-C. GRCh37 (hg19) VCF-style: chr1-152283922-T-C.
Other names: short protein forms E1147G.
Identifiers: ClinVar variation 1206279 (VCV001206279.26), dbSNP rs145475870, ClinGen allele CA1106678.